The following is an entry in ClinVar:

NM_001384900.1(SEMA3D):c.-3A>G

Gene: SEMA3D (semaphorin 3D; minus strand). Cytogenetic location: 7q21.11.
Variant type: single nucleotide variant.
Coding change: c.-3A>G on transcript NM_001384900.1 (MANE Select); 3 bases upstream of the start codon, A replaced by G.
Molecular consequence: 5 prime UTR variant.
Genome position (GRCh38, 1-based): chr7:85,121,894, T>C on the plus strand (A>G on the coding strand, the complement: SEMA3D is on the minus strand). VCF-style: chr7-85121894-T-C. GRCh37 (hg19) VCF-style: chr7-84751210-T-C.
Other names: c.-3A>G (NM_001384901.1, NM_001384902.1, NM_001384903.1 and 1 more transcripts).
Identifiers: ClinVar variation 3358297 (VCV003358297.1).

ClinVar aggregate classification (germline): Likely benign (0 of 4 stars; one submission).

Conditions:
SEMA3D-related disorder. Also called: SEMA3D-related condition.

gnomAD v4.1: 10 of 1,555,888 alleles (0.00064%); highest among the groups gnomAD compares: African/African-American, 0.012%; no homozygotes.

Submission:

PreventionGenetics, part of Exact Sciences
Classification: Likely benign for SEMA3D-related condition. Last evaluated: 2022-01-04. Review status: no assertion criteria provided. Collection method: clinical testing. Allele origin: germline.
Comment: This variant is classified as likely benign based on ACMG/AMP sequence variant interpretation guidelines (Richards et al. 2015 PMID: 25741868, with internal and published modifications).